The following is an entry in ClinVar:

NM_007294.4(BRCA1):c.5367T>A (p.Ala1789=)

Gene: BRCA1 (BRCA1 DNA repair associated; minus strand). Cytogenetic location: 17q21.31.
Variant type: single nucleotide variant.
Coding change: c.5367T>A on transcript NM_007294.4 (MANE Select); coding-DNA position 5367, T replaced by A.
Protein change: p.Ala1789=; no amino-acid change (alanine 1789 retained).
Molecular consequence: synonymous variant. On other transcripts: intron variant (19).
Genome position (GRCh38, 1-based): chr17:43,049,160, A>T on the plus strand (T>A on the coding strand, the complement: BRCA1 is on the minus strand). VCF-style: chr17-43049160-A-T. GRCh37 (hg19) VCF-style: chr17-41201177-A-T.
Other names: c.5358T>A, p.Ala1786= (NM_001407645.1, NM_001407644.1); c.5355T>A, p.Ala1785= (NM_001407646.1); c.5352T>A, p.Ala1784= (NM_001407647.1); c.5310T>A, p.Ala1770= (NM_001407648.1); c.5307T>A, p.Ala1769= (NM_001407649.1); c.5289T>A, p.Ala1763= (NM_001407652.1, NM_001407653.1, NM_001407654.1 and 1 more transcripts); c.5286T>A, p.Ala1762= (NM_001407656.1, NM_001407657.1, NM_001407658.1); c.5283T>A, p.Ala1761= (NM_001407659.1, NM_001407660.1, NM_001407661.1 and 2 more transcripts); and 84 more.
Identifiers: ClinVar variation 865386 (VCV000865386.3), dbSNP rs1597801572, ClinGen allele CA500143304.

Conditions:
Breast-ovarian cancer, familial, susceptibility to, 1 (BROVCA1). Also called: BRCA1 Hereditary Breast and Ovarian Cancer; OVARIAN CANCER, SUSCEPTIBILITY TO. Identifiers: Orphanet 145, MedGen C2676676, MONDO:0011450, OMIM 604370. Disease mechanism: loss of function.

Submission:

Brotman Baty Institute, University of Washington
No classification provided (evidence only). Condition: Breast-ovarian cancer, familial 1. Review status: no classification provided. Collection method: in vitro. Allele origin: not applicable. Functional consequence: functionally_normal.
ClinVar note: "not provided" was previously submitted as the classification for the variant. However, the classification appeared to be based only on an observation of functional data so it was converted to no classification on 2025-07-30.